The following is an entry in ClinVar:

NM_000141.5(FGFR2):c.1851G>C (p.Leu617Phe)

Gene: FGFR2 (fibroblast growth factor receptor 2; minus strand). Cytogenetic location: 10q26.13.
Variant type: single nucleotide variant.
Coding change: c.1851G>C on transcript NM_000141.5 (MANE Select); coding-DNA position 1851, G replaced by C.
Protein change: p.Leu617Phe; replaces leucine 617 with phenylalanine.
Molecular consequence: missense variant. On other transcripts: non-coding transcript variant (1).
Genome position (GRCh38, 1-based): chr10:121,496,544, C>G on the plus strand (G>C on the coding strand, the complement: FGFR2 is on the minus strand). VCF-style: chr10-121496544-C-G. GRCh37 (hg19) VCF-style: chr10-123256058-C-G.
Other names: c.1854G>C, p.Leu618Phe (NM_001144913.1, NM_022970.4); c.1515G>C, p.Leu505Phe (NM_001144914.1); c.1584G>C, p.Leu528Phe (NM_001144915.2, NM_023029.3); c.1506G>C, p.Leu502Phe (NM_001144916.2, NM_001441090.1); c.1503G>C, p.Leu501Phe (NM_001144917.2); c.1500G>C, p.Leu500Phe (NM_001144918.2, NM_001441091.1); c.1587G>C, p.Leu529Phe (NM_001144919.2); c.1167G>C, p.Leu389Phe (NM_001320654.2); and 4 more; short protein forms L389F, L500F, L501F, L502F, L505F, L526F, L527F, L528F.
Identifiers: ClinVar variation 4887820 (VCV004887820.1).

ClinVar aggregate classification (germline): Pathogenic (1 of 4 stars; one submission).

gnomAD v4.1: 1 of 1,614,098 alleles (0.000062%); highest among the groups gnomAD compares: Non-Finnish European, 0.000085%; no homozygotes.

Submission:

GeneDx
Classification: Pathogenic. Last evaluated: 2026-02-04. Review status: criteria provided, single submitter. Criteria: GeneDx Variant Classification Process June 2021. Collection method: clinical testing. Allele origin: germline.
Comment: Published functional studies demonstrate a damaging effect with increased Runx2 transactivation and increased FGFR autophosphorylation (PMID: 23913723); Not observed at significant frequency in large population cohorts (gnomAD); In silico analysis supports that this missense variant has a deleterious effect on protein structure/function; This variant is associated with the following publications: (PMID: 25425289, 23913723)